The following is an entry in ClinVar:

ClinVar aggregate classification (germline): Benign (1 of 4 stars; one submission).

Conditions:
Familial cancer of breast. Also called: BREAST CANCER, FAMILIAL; Hereditary breast cancer; hereditary breast carcinoma. Identifiers: Orphanet 227535, MedGen C0346153, MONDO:0016419, OMIM 114480. Disease mechanism: loss of function.

Submission:

Myriad Genetics, Inc.
Classification: Benign for Familial cancer of breast. Last evaluated: 2024-05-20. Review status: criteria provided, single submitter. Criteria: Myriad Autosomal Dominant, Autosomal Recessive and X-Linked Classification Criteria (2023). Collection method: clinical testing. Allele origin: unknown.
Comment: This variant is considered benign. This variant is a silent/synonymous amino acid change and it is not expected to impact splicing.

NM_000051.4(ATM):c.4692T>A (p.Pro1564=)

Gene: ATM (ATM serine/threonine kinase; plus strand). Cytogenetic location: 11q22.3.
Variant type: single nucleotide variant.
Coding change: c.4692T>A on transcript NM_000051.4 (MANE Select); coding-DNA position 4692, T replaced by A.
Protein change: p.Pro1564=; no amino-acid change (proline 1564 retained).
Molecular consequence: synonymous variant.
Genome position (GRCh38, 1-based): chr11:108,293,393, T>A. VCF-style: chr11-108293393-T-A. GRCh37 (hg19) VCF-style: chr11-108164120-T-A.
Other names: c.4692T>A, p.Pro1564= (NM_001351834.2).
Identifiers: ClinVar variation 3254180 (VCV003254180.1), dbSNP rs2135811994.